The following is an entry in ClinVar:

ClinVar aggregate classification (germline): Benign. Review status: criteria provided, multiple submitters, no conflicts (2 of 4 stars). 7 submissions from 7 submitters: Benign (5). 2 of the submissions do not count toward it. Last evaluated 2021-07-14.

Conditions:
Hereditary sensory and autonomic neuropathy with spastic paraplegia (HSNSP). Identifiers: Orphanet 139578, MedGen C1850395, MONDO:0009748, OMIM 256840.

Allele frequency attached by ClinVar (database versions not stated): 1000 Genomes Project 30x 0.67598; 1000 Genomes Project 0.68530; ESP Exome Variant Server 0.71805; TOPMed 0.72662; gnomAD 0.73426 and 0.73727; ExAC 0.78916.
gnomAD v4.1: 1,330,815 of 1,613,744 alleles (82%); highest among the groups gnomAD compares: East Asian, 89%; 556,134 homozygotes.

Submissions (7):

Genome-Nilou Lab
Classification: Benign for Hereditary sensory and autonomic neuropathy with spastic paraplegia. Last evaluated: 2021-07-14. Review status: criteria provided, single submitter. Criteria: ACMG Guidelines, 2015. Collection method: clinical testing. Allele origin: germline. Affected: no.

Illumina Laboratory Services, Illumina
Classification: Benign for Hereditary sensory and autonomic neuropathy with spastic paraplegia. Last evaluated: 2018-01-12. Review status: criteria provided, single submitter. Criteria: ICSL Variant Classification Criteria 13 December 2019. Collection method: clinical testing. Allele origin: germline.
Comment: This variant was observed in the ICSL laboratory as part of a predisposition screen in an ostensibly healthy population. It had not been previously curated by ICSL or reported in the Human Gene Mutation Database (HGMD: prior to June 1st, 2018), and was therefore a candidate for classification through an automated scoring system. Utilizing variant allele frequency, disease prevalence and penetrance estimates, and inheritance mode, an automated score was calculated to assess if this variant is too frequent to cause the disease. Based on the score and internal cut-off values, a variant classified as benign is not then subjected to further curation. The score for this variant resulted in a classification of benign for this disease.

Mayo Clinic Laboratories, Mayo Clinic
Classification: Benign. Last evaluated: 2016-03-01. Review status: criteria provided, single submitter. Criteria: ACMG Guidelines, 2015. Collection method: clinical testing. Allele origin: germline. Observed: 737 variant alleles.

GeneDx
Classification: Benign. Last evaluated: 2015-03-03. Review status: criteria provided, single submitter. Criteria: GeneDx Variant Classification Process June 2021. Collection method: clinical testing. Allele origin: germline. Affected: yes.

Breakthrough Genomics
Classification: Benign. Review status: criteria provided, single submitter. Criteria: ACMG Guidelines, 2015. Collection method: not provided. Allele origin: germline. Inheritance: Autosomal recessive inheritance. Affected: yes.

Clinical Genetics, Academic Medical Center
Classification: Benign. Review status: no assertion criteria provided. Collection method: clinical testing. Allele origin: germline. Affected: yes. Study: VKGL Data-share Consensus. Not counted in ClinVar's aggregate classification.

Diagnostic Laboratory, Department of Genetics, University Medical Center Groningen
Classification: Benign for Hereditary sensory and autonomic neuropathy with spastic paraplegia. Review status: no assertion criteria provided. Collection method: clinical testing. Allele origin: germline. Affected: yes. Study: VKGL Data-share Consensus. Not counted in ClinVar's aggregate classification.

NM_012073.5(CCT5):c.-10T>C

Gene: CCT5 (chaperonin containing TCP1 subunit 5; plus strand). Cytogenetic location: 5p15.2.
Variant type: single nucleotide variant.
Coding change: c.-10T>C on transcript NM_012073.5 (MANE Select); 10 bases upstream of the start codon, T replaced by C.
Molecular consequence: 5 prime UTR variant. On other transcripts: intron variant (1).
Genome position (GRCh38, 1-based): chr5:10,250,331, T>C. VCF-style: chr5-10250331-T-C. GRCh37 (hg19) VCF-style: chr5-10250443-T-C.
Other names: c.-10T>C (NM_012073.4, NM_001306154.2); c.42+286T>C (NM_001306153.1).
Identifiers: ClinVar variation 350246 (VCV000350246.12), dbSNP rs2578618, ClinGen allele CA3197926.